The following is an entry in ClinVar:

ClinVar aggregate classification (germline): Pathogenic (1 of 4 stars; one submission).

Conditions:
Cystinosis. Also called: Cystine diathesis; Cystine storage disease; Cystinoses. Identifiers: Orphanet 213, MedGen C4316899, MONDO:0016239.

Submission:

Myriad Genetics, Inc.
Classification: Pathogenic for Cystinosis. Last evaluated: 2026-06-11. Review status: criteria provided, single submitter. Criteria: Myriad Autosomal Dominant, Autosomal Recessive and X-Linked Classification Criteria (2023). Collection method: clinical testing. Allele origin: unknown.
Comment: NM_004937.2(CTNS):c.689dupG(Q231Pfs*65) is a frameshift variant classified as pathogenic in the context of cystinosis. Q231Pfs*65 has not been observed in cases with relevant disease. Relevant functional assessments of this variant are not available in the literature. Q231Pfs*65 has not been observed in referenced population frequency databases. In summary, NM_004937.2(CTNS):c.689dupG(Q231Pfs*65) is a frameshift variant in a gene where loss of function is a known mechanism of disease and is predicted to disrupt protein function. Please note: this variant was assessed in the context of healthy population screening.

NM_004937.3(CTNS):c.689dup (p.Gln231fs)

Genes: CTNS (cystinosin, lysosomal cystine transporter; plus strand), CTNS-AS1 (CTNS antisense RNA 1; minus strand). Cytogenetic location: 17p13.2.
Variant type: Duplication.
Coding change: c.689dup on transcript NM_004937.3 (MANE Select); coding-DNA position 689, one base duplicated (G; older notation c.689dupG).
Protein change: p.Gln231fs; shifts the reading frame from glutamine 231.
Molecular consequence: frameshift variant.
Genome position (GRCh38, 1-based): chr17:3,658,012, G duplicated; the last of 2 consecutive G bases (chr17:3,658,011-3,658,012); duplicating either gives the same sequence. VCF-style (leftmost placement, unchanged base first): chr17-3658010-T-TG. GRCh37 (hg19) VCF-style: chr17-3561304-T-TG.
Other names: c.689dup, p.Gln231fs (NM_001031681.3, NM_001374492.1); c.248dup, p.Gln84fs (NM_001374493.1, NM_001374494.1, NM_001374495.1 and 1 more transcripts); short protein forms Q84fs, Q231fs.
Identifiers: ClinVar variation 5004727 (VCV005004727.1).
Genomic context (GRCh38, chr17:3,658,010, plus strand): 5'-AGCCCCGGCGTGGCCTCTGTGTGGGTCCACATCTCTGCCCTCCTCTCGCCCCCAGCGCGG[T>TG]GGCCAGCGCGTGTCCTGGCCTGCCATCGGCTTCCTGGTGCTCGCGTGGCTCTTCGCATTT-3'